The following is an entry in ClinVar:

ClinVar aggregate classification (germline): Likely pathogenic. Review status: criteria provided, multiple submitters, no conflicts (2 of 4 stars). 2 submissions from 2 submitters: Likely pathogenic (2). Last evaluated 2024-07-11.

Conditions:
Glycine encephalopathy. Also called: Nonketotic hyperglycinemia; Non-ketotic hyperglycinemia. Identifiers: Orphanet 407, MedGen C0751748, MONDO:0011612, HP:0008288.

Submissions (2):

Natera, Inc.
Classification: Likely pathogenic for Non-ketotic hyperglycinemia. Last evaluated: 2024-07-11. Review status: criteria provided, single submitter. Criteria: Natera Variant Classification Schema (03/2026). Collection method: clinical testing. Allele origin: germline.
Comment: The c.2053-2A>G variant in GLDC is a canonical splice acceptor site variant predicted to affect pre-mRNA splicing, which may result in an abnormal transcript and altered protein product. This variant is expected to result in nonsense mediated decay, truncation, or a dysfunctional protein product. This variant is rare in the general population with a frequency below the threshold expected for the associated phenotype(s). This variant has been observed in one or more individuals affected with the associated recessive disease, as either homozygous or compound heterozygous with a second variant (PMID: 26179960). Given the available evidence, this variant is classified as Likely Pathogenic.

Labcorp Genetics (formerly Invitae), Labcorp
Classification: Likely pathogenic for Glycine encephalopathy. Last evaluated: 2023-06-17. Review status: criteria provided, single submitter. Criteria: Invitae Variant Classification Sherloc (09022015). Collection method: clinical testing. Allele origin: germline.
Comment: In summary, the currently available evidence indicates that the variant is pathogenic, but additional data are needed to prove that conclusively. Therefore, this variant has been classified as Likely Pathogenic. Algorithms developed to predict the effect of sequence changes on RNA splicing suggest that this variant may disrupt the consensus splice site. This variant has not been reported in the literature in individuals affected with GLDC-related conditions. This variant is present in population databases (no rsID available, gnomAD 0.003%). This sequence change affects an acceptor splice site in intron 17 of the GLDC gene. It is expected to disrupt RNA splicing. Variants that disrupt the donor or acceptor splice site typically lead to a loss of protein function (PMID: 16199547), and loss-of-function variants in GLDC are known to be pathogenic (PMID: 16601880).

Literature cited by the submitters: PubMed 26179960 (cited by Natera, Inc.); PubMed 16199547 (cited by Labcorp Genetics (formerly Invitae), Labcorp); PubMed 16601880 (cited by Labcorp Genetics (formerly Invitae), Labcorp).

NM_000170.3(GLDC):c.2053-2A>G

Gene: GLDC (glycine decarboxylase; minus strand). Cytogenetic location: 9p24.1.
Variant type: single nucleotide variant.
Coding change: c.2053-2A>G on transcript NM_000170.3 (MANE Select); the canonical splice acceptor site of the intron before coding-DNA position 2053, A replaced by G.
Molecular consequence: splice acceptor variant.
Genome position (GRCh38, 1-based): chr9:6,556,304, T>C on the plus strand (A>G on the coding strand, the complement: GLDC is on the minus strand). VCF-style: chr9-6556304-T-C. GRCh37 (hg19) VCF-style: chr9-6556304-T-C.
Other names: c.2053-2A>G (NM_000170.2).
Identifiers: ClinVar variation 2817367 (VCV002817367.4), dbSNP rs1323060528, ClinGen allele CA372881480.